The following is an entry in ClinVar:

NM_001080467.3(MYO5B):c.3364G>A (p.Gly1122Arg)

Gene: MYO5B (myosin VB; minus strand). Cytogenetic location: 18q21.1.
Variant type: single nucleotide variant.
Coding change: c.3364G>A on transcript NM_001080467.3 (MANE Select); coding-DNA position 3364, G replaced by A.
Protein change: p.Gly1122Arg; replaces glycine 1122 with arginine.
Molecular consequence: missense variant.
Genome position (GRCh38, 1-based): chr18:49,877,795, C>T on the plus strand (G>A on the coding strand, the complement: MYO5B is on the minus strand). VCF-style: chr18-49877795-C-T. GRCh37 (hg19) VCF-style: chr18-47404165-C-T.
Other names: short protein forms G1122R.
Identifiers: ClinVar variation 3605087 (VCV003605087.2).
Genomic context (GRCh38, chr18:49,877,795, plus strand): 5'-ACAGTACCCAAGAGCCTGCATCACTCACCTCCACCTGCTGGAGGGCATCCTCAGTGTCTC[C>T]GATCTCAGATGTGGAGATGGAGGGGTAATTGGAGTCAGATTCTAAGCTACTTTGGTTTGA-3'
Protein context (NP_001073936.1, residues 1112-1132): NYPSISTSEI[Gly1122Arg]DTEDALQQVE

ClinVar aggregate classification (germline): Uncertain significance (1 of 4 stars; one submission).

gnomAD v4.1: 20 of 1,614,002 alleles (0.0012%); highest among the groups gnomAD compares: East Asian, 0.0045%; no homozygotes.

Submission:

Labcorp Genetics (formerly Invitae), Labcorp
Classification: Uncertain significance. Last evaluated: 2024-08-08. Review status: criteria provided, single submitter. Criteria: Invitae Variant Classification Sherloc (09022015). Collection method: clinical testing. Allele origin: germline.
Comment: This sequence change replaces glycine, which is neutral and non-polar, with arginine, which is basic and polar, at codon 1122 of the MYO5B protein (p.Gly1122Arg). This variant is present in population databases (rs756171493, gnomAD 0.02%). This variant has not been reported in the literature in individuals affected with MYO5B-related conditions. Advanced modeling of protein sequence and biophysical properties (such as structural, functional, and spatial information, amino acid conservation, physicochemical variation, residue mobility, and thermodynamic stability) performed at Invitae indicates that this missense variant is not expected to disrupt MYO5B protein function with a negative predictive value of 80%. In summary, the available evidence is currently insufficient to determine the role of this variant in disease. Therefore, it has been classified as a Variant of Uncertain Significance.